The following is an entry in ClinVar:

ClinVar aggregate classification (germline): Uncertain significance (1 of 4 stars; one submission).

Conditions:
POLD1-related polyposis and colorectal cancer syndrome (CRCS10). Also called: Colorectal cancer 10; COLORECTAL CANCER, SUSCEPTIBILITY TO, ON CHROMOSOME 19q; Colorectal cancer, susceptibility to, 10. Identifiers: Orphanet 220460, MedGen C2675481, MONDO:0012953, OMIM 612591.

Submission:

Labcorp Genetics (formerly Invitae), Labcorp
Classification: Uncertain significance for POLD1-related polyposis and colorectal cancer syndrome. Last evaluated: 2024-06-12. Review status: criteria provided, single submitter. Criteria: Invitae Variant Classification Sherloc (09022015). Collection method: clinical testing. Allele origin: germline.
Comment: This sequence change replaces phenylalanine, which is neutral and non-polar, with leucine, which is neutral and non-polar, at codon 481 of the POLD1 protein (p.Phe481Leu). This variant is not present in population databases (gnomAD no frequency). This variant has not been reported in the literature in individuals affected with POLD1-related conditions. ClinVar contains an entry for this variant (Variation ID: 1487684). Advanced modeling of protein sequence and biophysical properties (such as structural, functional, and spatial information, amino acid conservation, physicochemical variation, residue mobility, and thermodynamic stability) performed at Invitae indicates that this missense variant is not expected to disrupt POLD1 protein function with a negative predictive value of 80%. In summary, the available evidence is currently insufficient to determine the role of this variant in disease. Therefore, it has been classified as a Variant of Uncertain Significance.

NM_002691.4(POLD1):c.1441T>C (p.Phe481Leu)

Gene: POLD1 (DNA polymerase delta 1, catalytic subunit; plus strand). Cytogenetic location: 19q13.33.
Variant type: single nucleotide variant.
Coding change: c.1441T>C on transcript NM_002691.4 (MANE Select); coding-DNA position 1441, T replaced by C.
Protein change: p.Phe481Leu; replaces phenylalanine 481 with leucine.
Molecular consequence: missense variant. On other transcripts: non-coding transcript variant (1).
Genome position (GRCh38, 1-based): chr19:50,406,464, T>C. VCF-style: chr19-50406464-T-C. GRCh37 (hg19) VCF-style: chr19-50909721-T-C.
Other names: c.1441T>C, p.Phe481Leu (NM_001256849.1, NM_001308632.1); short protein forms F481L.
Identifiers: ClinVar variation 1487684 (VCV001487684.8), dbSNP rs1481192588, ClinGen allele CA406980207.
Genomic context (GRCh38, chr19:50,406,464, plus strand): 5'-TAGGTGCTGCTGCGGGAGTACAAGCTCCGCTCCTACACGCTCAATGCCGTGAGCTTCCAC[T>C]TCCTGGGCGAGCAGAAGGAGGACGTGCAGCACAGCATCATCACCGACCTGCAGGTGCCTG-3'
Protein context (NP_002682.2, residues 471-491): SYTLNAVSFH[Phe481Leu]LGEQKEDVQH